The following is an entry in ClinVar:

ClinVar aggregate classification (germline): Benign/Likely benign. Review status: criteria provided, multiple submitters, no conflicts (2 of 4 stars). 5 submissions from 5 submitters: Benign (1); Likely benign (3). 1 of the submissions does not count toward it. Last evaluated 2025-03-17.

Conditions:
SPTBN2-related disorder. Also called: SPTBN2-related condition.

Allele frequency attached by ClinVar (database versions not stated): ExAC 0.00008; ESP Exome Variant Server 0.00008; gnomAD exomes 0.00008 and 0.00019; TOPMed 0.00009; gnomAD 0.00010 and 0.00013.
gnomAD v4.1: 301 of 1,611,614 alleles (0.019%); highest among the groups gnomAD compares: Non-Finnish European, 0.023%; no homozygotes.

Submissions (5):

Labcorp Genetics (formerly Invitae), Labcorp
Classification: Likely benign. Last evaluated: 2025-03-17. Review status: criteria provided, single submitter. Criteria: Invitae Variant Classification Sherloc (09022015). Collection method: clinical testing. Allele origin: germline.

Athena Diagnostics
Classification: Benign. Last evaluated: 2024-11-05. Review status: criteria provided, single submitter. Criteria: Athena Diagnostics Criteria. Collection method: clinical testing. Allele origin: unknown.

Blueprint Genetics
Classification: Likely benign. Last evaluated: 2024-08-29. Review status: criteria provided, single submitter. Criteria: ACMG Guidelines, 2015. Collection method: clinical testing. Allele origin: germline.

CeGaT Center for Human Genetics Tuebingen
Classification: Likely benign. Last evaluated: 2023-03-01. Review status: criteria provided, single submitter. Criteria: CeGaT Center For Human Genetics Tuebingen Variant Classification Criteria Version 2. Collection method: clinical testing. Allele origin: germline. Affected: yes. Observed: 3 variant alleles.
Comment: SPTBN2: BP4, BP7

PreventionGenetics, part of Exact Sciences
Classification: Likely benign for SPTBN2-related condition. Last evaluated: 2019-04-29. Review status: no assertion criteria provided. Collection method: clinical testing. Allele origin: germline. Not counted in ClinVar's aggregate classification.
Comment: This variant is classified as likely benign based on ACMG/AMP sequence variant interpretation guidelines (Richards et al. 2015 PMID: 25741868, with internal and published modifications).

NM_006946.4(SPTBN2):c.2382G>A (p.Glu794=)

Gene: SPTBN2 (spectrin beta, non-erythrocytic 2; minus strand). Cytogenetic location: 11q13.2.
Variant type: single nucleotide variant.
Coding change: c.2382G>A on transcript NM_006946.4 (MANE Select); coding-DNA position 2382, G replaced by A.
Protein change: p.Glu794=; no amino-acid change (glutamic acid 794 retained).
Molecular consequence: synonymous variant.
Genome position (GRCh38, 1-based): chr11:66,704,894, C>T on the plus strand (G>A on the coding strand, the complement: SPTBN2 is on the minus strand). VCF-style: chr11-66704894-C-T. GRCh37 (hg19) VCF-style: chr11-66472365-C-T.
Other names: c.2403G>A, p.Glu801= (NM_001411025.1); c.2382G>A (NM_006946.2).
Identifiers: ClinVar variation 1694640 (VCV001694640.37), dbSNP rs368173749, ClinGen allele CA6129138.